The following is an entry in ClinVar:

NM_024753.5(TTC21B):c.3087del (p.Gly1030fs)

Gene: TTC21B (tetratricopeptide repeat domain 21B; minus strand). Cytogenetic location: 2q24.3.
Variant type: Deletion.
Coding change: c.3087del on transcript NM_024753.5 (MANE Select); coding-DNA position 3087, one base deleted (A; older notation c.3087delA).
Protein change: p.Gly1030fs; shifts the reading frame from glycine 1030.
Molecular consequence: frameshift variant.
Genome position (GRCh38, 1-based): chr2:165,890,852, T deleted on the plus strand (A on the coding strand, the reverse complement: TTC21B is on the minus strand); the first of 3 consecutive T bases (chr2:165,890,852-165,890,854); deleting any one gives the same sequence. VCF-style (leftmost placement, unchanged base first): chr2-165890851-CT-C. GRCh37 (hg19) VCF-style: chr2-166747361-CT-C.
Other names: short protein forms G1030fs.
Identifiers: ClinVar variation 1179040 (VCV001179040.2), dbSNP rs2105291970, ClinGen allele CA2499215170.

ClinVar aggregate classification (germline): Pathogenic (1 of 4 stars; one submission).

Conditions:
Nephronophthisis 12 (NPHP12). Identifiers: Orphanet 655, MedGen C3151186, MONDO:0013442, OMIM 613820.
Asphyxiating thoracic dystrophy 4 (SRTD4). Also called: SHORT-RIB THORACIC DYSPLASIA 4 WITH OR WITHOUT POLYDACTYLY; SHORT-RIB THORACIC DYSPLASIA 4. Identifiers: Orphanet 474, MedGen C3151185, MONDO:0013441, OMIM 613819.

Submission:

Fulgent Genetics
Classification: Pathogenic for Asphyxiating thoracic dystrophy 4; Nephronophthisis 12. Last evaluated: 2021-06-30. Review status: criteria provided, single submitter. Criteria: ACMG Guidelines, 2015. Collection method: clinical testing. Allele origin: unknown.
Comment: This variant has been detected in individual(s) who were sent for testing of Renasight - kidney gene panel.